The following is an entry in ClinVar:

ClinVar aggregate classification (germline): Uncertain significance. Review status: criteria provided, multiple submitters, no conflicts (2 of 4 stars). 2 submissions from 2 submitters: Uncertain significance (2). Last evaluated 2024-06-17.

gnomAD v4.1: 5 of 1,610,880 alleles (0.00031%); highest among the groups gnomAD compares: Non-Finnish European, 0.00042%; no homozygotes.

Submissions (2):

GeneDx
Classification: Uncertain significance. Last evaluated: 2024-06-17. Review status: criteria provided, single submitter. Criteria: GeneDx Variant Classification Process June 2021. Collection method: clinical testing. Allele origin: germline. Affected: yes.
Comment: Not observed at significant frequency in large population cohorts (gnomAD); In silico analysis supports that this missense variant has a deleterious effect on protein structure/function; Has not been previously published as pathogenic or benign to our knowledge

Labcorp Genetics (formerly Invitae), Labcorp
Classification: Uncertain significance. Last evaluated: 2024-04-27. Review status: criteria provided, single submitter. Criteria: Invitae Variant Classification Sherloc (09022015). Collection method: clinical testing. Allele origin: germline.
Comment: This sequence change replaces proline, which is neutral and non-polar, with serine, which is neutral and polar, at codon 173 of the SI protein (p.Pro173Ser). This variant is present in population databases (rs146960446, gnomAD 0.0009%). This variant has not been reported in the literature in individuals affected with SI-related conditions. Advanced modeling of protein sequence and biophysical properties (such as structural, functional, and spatial information, amino acid conservation, physicochemical variation, residue mobility, and thermodynamic stability) has been performed at Invitae for this missense variant, however the output from this modeling did not meet the statistical confidence thresholds required to predict the impact of this variant on SI protein function. In summary, the available evidence is currently insufficient to determine the role of this variant in disease. Therefore, it has been classified as a Variant of Uncertain Significance.

NM_001041.4(SI):c.517C>T (p.Pro173Ser)

Gene: SI (sucrase-isomaltase; minus strand). Cytogenetic location: 3q26.1.
Variant type: single nucleotide variant.
Coding change: c.517C>T on transcript NM_001041.4 (MANE Select); coding-DNA position 517, C replaced by T.
Protein change: p.Pro173Ser; replaces proline 173 with serine.
Molecular consequence: missense variant.
Genome position (GRCh38, 1-based): chr3:165,067,458, G>A on the plus strand (C>T on the coding strand, the complement: SI is on the minus strand). VCF-style: chr3-165067458-G-A. GRCh37 (hg19) VCF-style: chr3-164785246-G-A.
Other names: short protein forms P173S.
Identifiers: ClinVar variation 3391643 (VCV003391643.3).